The following is an entry in ClinVar:

ClinVar aggregate classification (germline): Uncertain significance (1 of 4 stars; one submission).

Conditions:
Hereditary cancer-predisposing syndrome. Also called: Tumor predisposition; Hereditary Cancer Syndrome; Hereditary neoplastic syndrome; Neoplastic Syndromes, Hereditary. Identifiers: Orphanet 140162, MedGen C0027672, MeSH D009386, MONDO:0015356.

Submission:

Ambry Genetics
Classification: Uncertain significance for Hereditary cancer-predisposing syndrome. Last evaluated: 2024-05-25. Review status: criteria provided, single submitter. Criteria: Ambry Variant Classification Scheme 2023. Collection method: clinical testing. Allele origin: germline.
Comment: The p.K80R variant (also known as c.239A>G), located in coding exon 2 of the FH gene, results from an A to G substitution at nucleotide position 239. The lysine at codon 80 is replaced by arginine, an amino acid with highly similar properties. This amino acid position is conserved. In addition, the in silico prediction for this alteration is inconclusive. Based on the available evidence, the clinical significance of this variant remains unclear.

NM_000143.4(FH):c.239A>G (p.Lys80Arg)

Gene: FH (fumarate hydratase; minus strand). Cytogenetic location: 1q43.
Variant type: single nucleotide variant.
Coding change: c.239A>G on transcript NM_000143.4 (MANE Select); coding-DNA position 239, A replaced by G.
Protein change: p.Lys80Arg; replaces lysine 80 with arginine.
Molecular consequence: missense variant.
Genome position (GRCh38, 1-based): chr1:241,517,210, T>C on the plus strand (A>G on the coding strand, the complement: FH is on the minus strand). VCF-style: chr1-241517210-T-C. GRCh37 (hg19) VCF-style: chr1-241680510-T-C.
Other names: short protein forms K80R.
Identifiers: ClinVar variation 3278754 (VCV003278754.1).